The following is an entry in ClinVar:

ClinVar aggregate classification (germline): Uncertain significance (1 of 4 stars; one submission).

Submission:

Labcorp Genetics (formerly Invitae), Labcorp
Classification: Uncertain significance. Last evaluated: 2022-10-16. Review status: criteria provided, single submitter. Criteria: Invitae Variant Classification Sherloc (09022015). Collection method: clinical testing. Allele origin: germline.
Comment: Algorithms developed to predict the effect of missense changes on protein structure and function output the following: SIFT: "Tolerated"; PolyPhen-2: "Benign"; Align-GVGD: "Class C0". The serine amino acid residue is found in multiple mammalian species, which suggests that this missense change does not adversely affect protein function. This variant has not been reported in the literature in individuals affected with IRF9-related conditions. This variant is not present in population databases (gnomAD no frequency). This sequence change replaces glycine, which is neutral and non-polar, with serine, which is neutral and polar, at codon 249 of the IRF9 protein (p.Gly249Ser). In summary, the available evidence is currently insufficient to determine the role of this variant in disease. Therefore, it has been classified as a Variant of Uncertain Significance.

NM_006084.5(IRF9):c.745G>A (p.Gly249Ser)

Gene: IRF9 (interferon regulatory factor 9; plus strand). Cytogenetic location: 14q12.
Variant type: single nucleotide variant.
Coding change: c.745G>A on transcript NM_006084.5 (MANE Select); coding-DNA position 745, G replaced by A.
Protein change: p.Gly249Ser; replaces glycine 249 with serine.
Molecular consequence: missense variant. On other transcripts: intron variant (1).
Genome position (GRCh38, 1-based): chr14:24,164,709, G>A. VCF-style: chr14-24164709-G-A. GRCh37 (hg19) VCF-style: chr14-24633918-G-A.
Other names: c.772G>A, p.Gly258Ser (NM_001385400.1, NM_001385401.1); c.650-168G>A (NM_001385402.1); short protein forms G249S, G258S.
Identifiers: ClinVar variation 1721711 (VCV001721711.5), dbSNP rs375151820, ClinGen allele CA389207961.